The following is an entry in ClinVar:

ClinVar aggregate classification (germline): Uncertain significance (1 of 4 stars; one submission).

Conditions:
ANKRD1-related dilated cardiomyopathy. Identifiers: MedGen CN119551.

Submission:

Labcorp Genetics (formerly Invitae), Labcorp
Classification: Uncertain significance for ANKRD1-related dilated cardiomyopathy. Last evaluated: 2024-08-20. Review status: criteria provided, single submitter. Criteria: Invitae Variant Classification Sherloc (09022015). Collection method: clinical testing. Allele origin: germline.
Comment: This sequence change creates a premature translational stop signal (p.Trp192*) in the ANKRD1 gene. It is expected to result in an absent or disrupted protein product. However, the current clinical and genetic evidence is not sufficient to establish whether loss-of-function variants in ANKRD1 cause disease. This variant is not present in population databases (gnomAD no frequency). This variant has not been reported in the literature in individuals affected with ANKRD1-related conditions. Algorithms developed to predict the effect of sequence changes on RNA splicing suggest that this variant may disrupt the consensus splice site. In summary, the available evidence is currently insufficient to determine the role of this variant in disease. Therefore, it has been classified as a Variant of Uncertain Significance.

NM_014391.3(ANKRD1):c.576G>A (p.Trp192Ter)

Gene: ANKRD1 (ankyrin repeat domain 1; minus strand). Cytogenetic location: 10q23.31.
Variant type: single nucleotide variant.
Coding change: c.576G>A on transcript NM_014391.3 (MANE Select); coding-DNA position 576, G replaced by A.
Protein change: p.Trp192Ter; replaces tryptophan 192 with a stop codon.
Molecular consequence: nonsense.
Genome position (GRCh38, 1-based): chr10:90,916,246, C>T on the plus strand (G>A on the coding strand, the complement: ANKRD1 is on the minus strand). VCF-style: chr10-90916246-C-T. GRCh37 (hg19) VCF-style: chr10-92676003-C-T.
Other names: short protein forms W192*.
Identifiers: ClinVar variation 3687513 (VCV003687513.2).